The following is an entry in ClinVar:

ClinVar aggregate classification (germline): Uncertain significance (1 of 4 stars; one submission).

Allele frequency attached by ClinVar (database versions not stated): gnomAD exomes 0.00001; ExAC 0.00002; gnomAD 0.00003; TOPMed 0.00003.
gnomAD v4.1: 15 of 1,612,568 alleles (0.00093%); highest among the groups gnomAD compares: Admixed American, 0.01%; no homozygotes.

Submission:

Ambry Genetics
Classification: Uncertain significance. Last evaluated: 2023-09-30. Review status: criteria provided, single submitter. Criteria: Ambry Variant Classification Scheme 2023. Collection method: clinical testing. Allele origin: germline.
Comment: The p.I518M variant (also known as c.1554C>G), located in coding exon 8 of the PALLD gene, results from a C to G substitution at nucleotide position 1554. The isoleucine at codon 518 is replaced by methionine, an amino acid with highly similar properties. This amino acid position is conserved. In addition, this alteration is predicted to be tolerated by in silico analysis. Since supporting evidence is limited at this time, the clinical significance of this alteration remains unclear.

NM_001166108.2(PALLD):c.1554C>G (p.Ile518Met)

Gene: PALLD (palladin, cytoskeletal associated protein; plus strand). Cytogenetic location: 4q32.3.
Variant type: single nucleotide variant.
Coding change: c.1554C>G on transcript NM_001166108.2 (MANE Select); coding-DNA position 1554, C replaced by G.
Protein change: p.Ile518Met; replaces isoleucine 518 with methionine.
Molecular consequence: missense variant.
Genome position (GRCh38, 1-based): chr4:168,709,080, C>G. VCF-style: chr4-168709080-C-G. GRCh37 (hg19) VCF-style: chr4-169630231-C-G.
Other names: c.408C>G, p.Ile136Met (NM_001166109.2); c.1554C>G, p.Ile518Met (NM_016081.4); short protein forms I136M, I518M.
Identifiers: ClinVar variation 1775118 (VCV001775118.2), dbSNP rs775382674, ClinGen allele CA3135675.
Genomic context (GRCh38, chr4:168,709,080, plus strand): 5'-ACTTCCAGAGGAGATTTGCACCCTAGTTATCGCTGAGACTTTCCCTGAAGATGCAGGGAT[C>G]TTTACATGTTCAGCAAGAAATGATTATGGATCAGCAACCAGCACTGCCCAGCTGGTTGTC-3'
Protein context (NP_001159580.1, residues 508-528): IAETFPEDAG[Ile518Met]FTCSARNDYG